The following is an entry in ClinVar:

NM_005896.4(IDH1):c.1044C>G (p.Asn348Lys)

Gene: IDH1 (isocitrate dehydrogenase (NADP(+)) 1; minus strand). Cytogenetic location: 2q34.
Variant type: single nucleotide variant.
Coding change: c.1044C>G on transcript NM_005896.4 (MANE Select); coding-DNA position 1044, C replaced by G.
Protein change: p.Asn348Lys; replaces asparagine 348 with lysine.
Molecular consequence: missense variant.
Genome position (GRCh38, 1-based): chr2:208,239,181, G>C on the plus strand (C>G on the coding strand, the complement: IDH1 is on the minus strand). VCF-style: chr2-208239181-G-C. GRCh37 (hg19) VCF-style: chr2-209103905-G-C.
Other names: c.1044C>G, p.Asn348Lys (NM_001282386.1, NM_001282387.1); short protein forms N348K.
Identifiers: ClinVar variation 1774942 (VCV001774942.2), dbSNP rs200718328, ClinGen allele CA64581974.

ClinVar aggregate classification (germline): Uncertain significance (1 of 4 stars; one submission).

Allele frequency attached by ClinVar (database versions not stated): gnomAD exomes below 0.00001.
gnomAD v4.1: 1 of 1,614,046 alleles (0.000062%); highest among the groups gnomAD compares: Non-Finnish European, 0.000085%; no homozygotes.

Submission:

Ambry Genetics
Classification: Uncertain significance. Last evaluated: 2024-02-22. Review status: criteria provided, single submitter. Criteria: Ambry Variant Classification Scheme 2023. Collection method: clinical testing. Allele origin: germline.
Comment: The p.N348K variant (also known as c.1044C>G), located in coding exon 7 of the IDH1 gene, results from a C to G substitution at nucleotide position 1044. The asparagine at codon 348 is replaced by lysine, an amino acid with similar properties. This amino acid position is conserved. In addition, this alteration is predicted to be tolerated by in silico analysis. Since supporting evidence is limited at this time, the clinical significance of this alteration remains unclear.